The following is an entry in ClinVar:

ClinVar aggregate classification (germline): Pathogenic (1 of 4 stars; one submission).

Submission:

Labcorp Genetics (formerly Invitae), Labcorp
Classification: Pathogenic. Last evaluated: 2023-10-11. Review status: criteria provided, single submitter. Criteria: Invitae Variant Classification Sherloc (09022015). Collection method: clinical testing. Allele origin: unknown.
Comment: This variant is a gross deletion of the genomic region encompassing exon(s) 4-5 of the ACAD9 gene. This deletion is out-of-frame, and is expected to create a premature termination codon and result in an absent or disrupted protein product. Loss-of-function variants in ACAD9 are known to be pathogenic (PMID: 25721401). This variant has not been reported in the literature in individuals affected with ACAD9-related conditions. For these reasons, this variant has been classified as Pathogenic.

Literature cited by the submitters: PubMed 25721401.

NC_000003.11:g.(?_128614133)_(128615399_?)del

Gene: ACAD9 (acyl-CoA dehydrogenase family member 9; plus strand). Cytogenetic location: 3q21.3.
Variant type: Deletion.
Identifiers: ClinVar variation 3247011 (VCV003247011.1).